The following is an entry in ClinVar:

ClinVar aggregate classification (germline): Uncertain significance (1 of 4 stars; one submission).

Submission:

GeneDx
Classification: Uncertain significance. Last evaluated: 2024-05-22. Review status: criteria provided, single submitter. Criteria: GeneDx Variant Classification Process June 2021. Collection method: clinical testing. Allele origin: germline. Affected: yes.
Comment: Not observed at significant frequency in large population cohorts (gnomAD); In silico analysis supports that this missense variant has a deleterious effect on protein structure/function; Has not been previously published as pathogenic or benign to our knowledge

NM_006852.6(TLK2):c.1837T>G (p.Ser613Ala)

Gene: TLK2 (tousled like kinase 2; plus strand). Cytogenetic location: 17q23.2.
Variant type: single nucleotide variant.
Coding change: c.1837T>G on transcript NM_006852.6 (MANE Select); coding-DNA position 1837, T replaced by G.
Protein change: p.Ser613Ala; replaces serine 613 with alanine.
Molecular consequence: missense variant.
Genome position (GRCh38, 1-based): chr17:62,602,158, T>G. VCF-style: chr17-62602158-T-G. GRCh37 (hg19) VCF-style: chr17-60679519-T-G.
Other names: c.1903T>G, p.Ser635Ala (NM_001284333.3); c.1741T>G, p.Ser581Ala (NM_001284363.1, NM_001375272.1); c.1390T>G, p.Ser464Ala (NM_001330418.3, NM_001375273.1); c.1879T>G, p.Ser627Ala (NM_001375269.1); c.1837T>G, p.Ser613Ala (NM_001375270.1, NM_001375271.1); c.1552T>G, p.Ser518Ala (NM_001411074.1); short protein forms S464A, S518A, S581A, S613A, S627A, S635A.
Identifiers: ClinVar variation 3383612 (VCV003383612.1).
Genomic context (GRCh38, chr17:62,602,158, plus strand): 5'-GGTCTTTCGAAGATCATGGATGATGATAGCTACAATTCAGTGGATGGCATGGAGCTAACA[T>G]CACAAGGTGCTGGTACTTATTGGTAGGTATCCAGGAGCTCTGCCAGGTTGGCTATAGAGA-3'
Protein context (NP_006843.2, residues 603-623): YNSVDGMELT[Ser613Ala]QGAGTYWYLP